The following is an entry in ClinVar:

NM_001130987.2(DYSF):c.5547-4C>T

Gene: DYSF (dysferlin; plus strand). Cytogenetic location: 2p13.2.
Variant type: single nucleotide variant.
Coding change: c.5547-4C>T on transcript NM_001130987.2 (MANE Select); 4 bases into the intron before coding-DNA position 5547, C replaced by T.
Molecular consequence: intron variant.
Genome position (GRCh38, 1-based): chr2:71,669,108, C>T. VCF-style: chr2-71669108-C-T. GRCh37 (hg19) VCF-style: chr2-71896238-C-T.
Other names: c.5523-4C>T (NM_001130979.2); c.5544-4C>T (NM_001130981.2); c.5481-4C>T (NM_001130980.2); c.5493-4C>T (NM_001130978.2); c.5430-4C>T (NM_003494.4); c.5451-4C>T (NM_001130977.2); c.5388-4C>T (NM_001130976.2); c.5526-4C>T (NM_001130982.2); and 5 more.
Identifiers: ClinVar variation 389133 (VCV000389133.52), dbSNP rs373098428, ClinGen allele CA1707434.

ClinVar aggregate classification (germline): Conflicting classifications of pathogenicity. Review status: criteria provided, conflicting classifications (1 of 4 stars). 4 submissions from 4 submitters: Uncertain significance (1); Likely benign (3). Last evaluated 2025-12-14.

Conditions:
Neuromuscular disease caused by qualitative or quantitative defects of dysferlin. Also called: Qualitative or quantitative defects of dysferlin; Dysferlinopathy. Identifiers: Orphanet 207073, MedGen C2931687, MONDO:0016145.

Allele frequency attached by ClinVar (database versions not stated): ExAC 0.00003; gnomAD exomes 0.00003 and 0.00007; TOPMed 0.00003; gnomAD 0.00005; ESP Exome Variant Server 0.00008.
gnomAD v4.1: 100 of 1,591,264 alleles (0.0063%); highest among the groups gnomAD compares: Non-Finnish European, 0.0084%; no homozygotes.

Submissions (4):

Labcorp Genetics (formerly Invitae), Labcorp
Classification: Likely benign for Neuromuscular disease caused by qualitative or quantitative defects of dysferlin. Last evaluated: 2025-12-14. Review status: criteria provided, single submitter. Criteria: Invitae Variant Classification Sherloc (09022015). Collection method: clinical testing. Allele origin: germline.

Athena Diagnostics
Classification: Likely benign. Last evaluated: 2024-02-06. Review status: criteria provided, single submitter. Criteria: Athena Diagnostics Criteria. Collection method: clinical testing. Allele origin: unknown.

CeGaT Center for Human Genetics Tuebingen
Classification: Uncertain significance. Last evaluated: 2019-01-01. Review status: criteria provided, single submitter. Criteria: CeGaT Center For Human Genetics Tuebingen Variant Classification Criteria Version 2. Collection method: clinical testing. Allele origin: germline. Affected: yes. Observed: 1 variant allele.

GeneDx
Classification: Likely benign. Last evaluated: 2016-09-22. Review status: criteria provided, single submitter. Criteria: GeneDx Variant Classification (06012015). Collection method: clinical testing. Allele origin: germline. Affected: yes.
Comment: This variant is considered likely benign or benign based on one or more of the following criteria: it is a conservative change, it occurs at a poorly conserved position in the protein, it is predicted to be benign by multiple in silico algorithms, and/or has population frequency not consistent with disease.